The following is an entry in ClinVar:

ClinVar aggregate classification (germline): Likely pathogenic (1 of 4 stars; one submission).

Conditions:
Orofaciodigital syndrome I (OFD1). Also called: Papillon-Leage and Psaume Syndrome; Oral-Facial-Digital Syndrome Type I; OFDS I. Identifiers: Orphanet 2750, MedGen C1510460, MONDO:0010702, OMIM 311200.

Submission:

Clinical Genetics Laboratory, Skane University Hospital Lund
Classification: Likely pathogenic for Orofaciodigital syndrome I. Last evaluated: 2025-11-25. Review status: criteria provided, single submitter. Criteria: ACMG Guidelines, 2015. Collection method: clinical testing. Allele origin: germline. Affected: yes.
Comment: ACMG criteria used: PVS1, PM2.

NM_003611.3(OFD1):c.435dup (p.Glu146fs)

Gene: OFD1 (OFD1 centriole and centriolar satellite protein; plus strand). Cytogenetic location: Xp22.2.
Variant type: Duplication.
Coding change: c.435dup on transcript NM_003611.3 (MANE Select); coding-DNA position 435, one base duplicated (A; older notation c.435dupA).
Protein change: p.Glu146fs; shifts the reading frame from glutamic acid 146.
Molecular consequence: frameshift variant.
Genome position (GRCh38, 1-based): chrX:13,744,437, A duplicated; the last of 4 consecutive A bases (chrX:13,744,434-13,744,437); duplicating any one gives the same sequence. VCF-style (leftmost placement, unchanged base first): chrX-13744433-T-TA. GRCh37 (hg19) VCF-style: chrX-13762552-T-TA.
Other names: c.435dup, p.Glu146fs (NM_001330209.2, NM_001440947.1, NM_001440948.1); c.15dup, p.Glu6fs (NM_001330210.2); short protein forms E146fs, E6fs.
Identifiers: ClinVar variation 4530666 (VCV004530666.1).